The following is an entry in ClinVar:

ClinVar aggregate classification (germline): Uncertain significance (1 of 4 stars; one submission).

Allele frequency attached by ClinVar (database versions not stated): gnomAD 0.00001.

Submission:

Ambry Genetics
Classification: Uncertain significance. Last evaluated: 2025-02-26. Review status: criteria provided, single submitter. Criteria: Ambry Variant Classification Scheme 2023. Collection method: clinical testing. Allele origin: germline.
Comment: The p.R116C variant (also known as c.346C>T), located in coding exon 1 of the GALNT12 gene, results from a C to T substitution at nucleotide position 346. The arginine at codon 116 is replaced by cysteine, an amino acid with highly dissimilar properties. This amino acid position is conserved. In addition, the in silico prediction for this alteration is inconclusive. Since supporting evidence is limited at this time, the clinical significance of this alteration remains unclear.

NM_024642.5(GALNT12):c.346C>T (p.Arg116Cys)

Gene: GALNT12 (polypeptide N-acetylgalactosaminyltransferase 12; plus strand). Cytogenetic location: 9q22.33.
Variant type: single nucleotide variant.
Coding change: c.346C>T on transcript NM_024642.5 (MANE Select); coding-DNA position 346, C replaced by T.
Protein change: p.Arg116Cys; replaces arginine 116 with cysteine.
Molecular consequence: missense variant.
Genome position (GRCh38, 1-based): chr9:98,808,044, C>T. VCF-style: chr9-98808044-C-T. GRCh37 (hg19) VCF-style: chr9-101570326-C-T.
Other names: short protein forms R116C.
Identifiers: ClinVar variation 1731717 (VCV001731717.3), dbSNP rs1192789618, ClinGen allele CA374223091.
Genomic context (GRCh38, chr9:98,808,044, plus strand): 5'-GAGAGCGTGCGGCTGCACCAGATTAACATCTACCTCAGCGACCGCATCTCACTGCACCGC[C>T]GCCTGCCCGAGCGCTGGAACCCGCTGTGAGTGCACAGCTCTGGGGAGGAAGCCCGCCCTC-3'
Protein context (NP_078918.3, residues 106-126): YLSDRISLHR[Arg116Cys]LPERWNPLCK